The following is an entry in ClinVar:

NM_001711.6(BGN):c.52C>T (p.Pro18Ser)

Gene: BGN (biglycan; plus strand). Cytogenetic location: Xq28.
Variant type: single nucleotide variant.
Coding change: c.52C>T on transcript NM_001711.6 (MANE Select); coding-DNA position 52, C replaced by T.
Protein change: p.Pro18Ser; replaces proline 18 with serine.
Molecular consequence: missense variant.
Genome position (GRCh38, 1-based): chrX:153,504,683, C>T. VCF-style: chrX-153504683-C-T. GRCh37 (hg19) VCF-style: chrX-152770141-C-T.
Other names: short protein forms P18S.
Identifiers: ClinVar variation 1925100 (VCV001925100.5), dbSNP rs1305457220, ClinGen allele CA415067750.

ClinVar aggregate classification (germline): Uncertain significance (1 of 4 stars; one submission).

Allele frequency attached by ClinVar (database versions not stated): TOPMed 0.00007; gnomAD 0.00009.
gnomAD v4.1: 16 of 1,210,522 alleles (0.0013%); highest among the groups gnomAD compares: Admixed American, 0.035%; no homozygotes.

Submission:

Labcorp Genetics (formerly Invitae), Labcorp
Classification: Uncertain significance. Last evaluated: 2023-07-25. Review status: criteria provided, single submitter. Criteria: Invitae Variant Classification Sherloc (09022015). Collection method: clinical testing. Allele origin: germline.
Comment: In summary, the available evidence is currently insufficient to determine the role of this variant in disease. Therefore, it has been classified as a Variant of Uncertain Significance. An algorithm developed to predict the effect of missense changes on protein structure and function (PolyPhen-2) suggests that this variant is likely to be disruptive. ClinVar contains an entry for this variant (Variation ID: 1925100). This variant has not been reported in the literature in individuals affected with BGN-related conditions. This variant is present in population databases (no rsID available, gnomAD 0.02%). This sequence change replaces proline, which is neutral and non-polar, with serine, which is neutral and polar, at codon 18 of the BGN protein (p.Pro18Ser).